The following is an entry in ClinVar:

NM_004360.5(CDH1):c.1985A>G (p.Asp662Gly)

Gene: CDH1 (cadherin 1; plus strand). Cytogenetic location: 16q22.1.
Variant type: single nucleotide variant.
Coding change: c.1985A>G on transcript NM_004360.5 (MANE Select); coding-DNA position 1985, A replaced by G.
Protein change: p.Asp662Gly; replaces aspartic acid 662 with glycine.
Molecular consequence: missense variant.
Genome position (GRCh38, 1-based): chr16:68,823,447, A>G. VCF-style: chr16-68823447-A-G. GRCh37 (hg19) VCF-style: chr16-68857350-A-G.
Other names: c.1802A>G, p.Asp601Gly (NM_001317184.2); c.437A>G, p.Asp146Gly (NM_001317185.2); c.20A>G, p.Asp7Gly (NM_001317186.2); short protein forms D146G, D601G, D662G, D7G.
Identifiers: ClinVar variation 2819401 (VCV002819401.4), dbSNP rs1961226929, ClinGen allele CA396467602.
Genomic context (GRCh38, chr16:68,823,447, plus strand): 5'-TGCTTTCTCCAGCCCAAGAATCTATCATTTTGAAGCCAAAGATGGCCTTAGAGGTGGGTG[A>G]CTACAAAATCAATCTCAAGCTCATGGATAACCAGAATAAAGACCAAGTGACCACCTTAGA-3'
Protein context (NP_004351.1, residues 652-672): LKPKMALEVG[Asp662Gly]YKINLKLMDN

ClinVar aggregate classification (germline): Conflicting classifications of pathogenicity. Review status: criteria provided, conflicting classifications (1 of 4 stars). 2 submissions from 2 submitters: Uncertain significance (1); Likely benign (1). Last evaluated 2026-01-23.

Conditions:
Hereditary cancer-predisposing syndrome. Also called: Tumor predisposition; Neoplastic Syndromes, Hereditary; Hereditary Cancer Syndrome; Hereditary neoplastic syndrome. Identifiers: Orphanet 140162, MedGen C0027672, MeSH D009386, MONDO:0015356.
Hereditary diffuse gastric adenocarcinoma (HDGC). Also called: DIFFUSE GASTRIC AND LOBULAR BREAST CANCER SYNDROME. Identifiers: Orphanet 26106, MedGen C1708349, MONDO:0007648, OMIM 137215.

Submissions (2):

Ambry Genetics
Classification: Likely benign for Hereditary cancer-predisposing syndrome. Last evaluated: 2026-01-23. Review status: criteria provided, single submitter. Criteria: Ambry Variant Classification Scheme 2023. Collection method: clinical testing. Allele origin: germline.

Labcorp Genetics (formerly Invitae), Labcorp
Classification: Uncertain significance for Hereditary diffuse gastric adenocarcinoma. Last evaluated: 2022-12-08. Review status: criteria provided, single submitter. Criteria: Invitae Variant Classification Sherloc (09022015). Collection method: clinical testing. Allele origin: germline.
Comment: Algorithms developed to predict the effect of missense changes on protein structure and function are either unavailable or do not agree on the potential impact of this missense change (SIFT: "Deleterious"; PolyPhen-2: "Benign"; Align-GVGD: "Class C0"). In summary, the available evidence is currently insufficient to determine the role of this variant in disease. Therefore, it has been classified as a Variant of Uncertain Significance. This variant has not been reported in the literature in individuals affected with CDH1-related conditions. This sequence change replaces aspartic acid, which is acidic and polar, with glycine, which is neutral and non-polar, at codon 662 of the CDH1 protein (p.Asp662Gly). This variant is not present in population databases (gnomAD no frequency).